The following is an entry in ClinVar:

NM_006267.5(RANBP2):c.2834G>A (p.Arg945His)

Gene: RANBP2 (RAN binding protein 2; plus strand). Cytogenetic location: 2q13.
Variant type: single nucleotide variant.
Coding change: c.2834G>A on transcript NM_006267.5 (MANE Select); coding-DNA position 2834, G replaced by A.
Protein change: p.Arg945His; replaces arginine 945 with histidine.
Molecular consequence: missense variant.
Genome position (GRCh38, 1-based): chr2:108,763,373, G>A. VCF-style: chr2-108763373-G-A. GRCh37 (hg19) VCF-style: chr2-109379829-G-A.
Other names: short protein forms R945H.
Identifiers: ClinVar variation 853999 (VCV000853999.11), dbSNP rs531378652, ClinGen allele CA1822825.

ClinVar aggregate classification (germline): Uncertain significance (1 of 4 stars; one submission).

Conditions:
Familial acute necrotizing encephalopathy (IIAE3). Also called: ENCEPHALOPATHY, ACUTE, INFECTION-INDUCED, SUSCEPTIBILITY TO, 3; Susceptibility to Acute Necrotizing Encephalopathy 1. Identifiers: Orphanet 88619, MedGen C2675556, MONDO:0011953, OMIM 608033.

Allele frequency attached by ClinVar (database versions not stated): gnomAD exomes 0.00001 and 0.00002; ExAC 0.00002; TOPMed 0.00003; gnomAD 0.00004 and 0.00005; 1000 Genomes Project 30x 0.00016; 1000 Genomes Project 0.00020.
gnomAD v4.1: 20 of 1,613,860 alleles (0.0012%); highest among the groups gnomAD compares: Admixed American, 0.017%; no homozygotes.

Submission:

Labcorp Genetics (formerly Invitae), Labcorp
Classification: Uncertain significance for Familial acute necrotizing encephalopathy. Last evaluated: 2021-02-09. Review status: criteria provided, single submitter. Criteria: Invitae Variant Classification Sherloc (09022015). Collection method: clinical testing. Allele origin: germline.
Comment: In summary, the available evidence is currently insufficient to determine the role of this variant in disease. Therefore, it has been classified as a Variant of Uncertain Significance. Algorithms developed to predict the effect of missense changes on protein structure and function are either unavailable or do not agree on the potential impact of this missense change (SIFT: "Deleterious"; PolyPhen-2: "Benign"; Align-GVGD: "Class C25"). This variant has not been reported in the literature in individuals with RANBP2-related conditions. ClinVar contains an entry for this variant (Variation ID: 853999). This variant is present in population databases (rs531378652, ExAC 0.006%). This sequence change replaces arginine with histidine at codon 945 of the RANBP2 protein (p.Arg945His). The arginine residue is highly conserved and there is a small physicochemical difference between arginine and histidine.